The following is an entry in ClinVar:

NM_000059.4(BRCA2):c.7116A>C (p.Ser2372=)

Gene: BRCA2 (BRCA2 DNA repair associated; plus strand). Cytogenetic location: 13q13.1.
Variant type: single nucleotide variant.
Coding change: c.7116A>C on transcript NM_000059.4 (MANE Select); coding-DNA position 7116, A replaced by C.
Protein change: p.Ser2372=; no amino-acid change (serine 2372 retained).
Molecular consequence: synonymous variant. On other transcripts: non-coding transcript variant (1).
Genome position (GRCh38, 1-based): chr13:32,354,969, A>C. VCF-style: chr13-32354969-A-C. GRCh37 (hg19) VCF-style: chr13-32929106-A-C.
Other names: c.7020A>C, p.Ser2340= (NM_001406719.1); c.7116A>C, p.Ser2372= (NM_001406720.1); c.2184A>C, p.Ser728= (NM_001406721.1); c.699A>C, p.Ser233= (NM_001406722.1).
Identifiers: ClinVar variation 3261586 (VCV003261586.3).
Genomic context (GRCh38, chr13:32,354,969, plus strand): 5'-TGGTCAAGAATTTCTGTCTAAATCTCATTTGTATGAACATCTGACTTTGGAAAAATCTTC[A>C]AGCAATTTAGCAGTTTCAGGACATCCATTTTATCAAGTTTCTGCTACAAGAAATGAAAAA-3'
Protein context (NP_000050.3, residues 2362-2382): LYEHLTLEKS[Ser2372=]SNLAVSGHPF

ClinVar aggregate classification (germline): Conflicting classifications of pathogenicity. Review status: criteria provided, conflicting classifications (1 of 4 stars). 3 submissions from 3 submitters: Uncertain significance (1); Likely benign (2). Last evaluated 2026-06-22.

Conditions:
Hereditary cancer-predisposing syndrome. Also called: Neoplastic Syndromes, Hereditary; Tumor predisposition; Hereditary neoplastic syndrome; Hereditary Cancer Syndrome. Identifiers: Orphanet 140162, MedGen C0027672, MeSH D009386, MONDO:0015356.

Submissions (3):

Women's Health and Genetics/Laboratory Corporation of America, LabCorp
Classification: Likely benign. Last evaluated: 2026-06-22. Review status: criteria provided, single submitter. Criteria: LabCorp Variant Classification Summary - May 2015. Collection method: clinical testing. Allele origin: germline.

Quest Diagnostics Nichols Institute San Juan Capistrano
Classification: Uncertain significance. Last evaluated: 2024-09-02. Review status: criteria provided, single submitter. Criteria: Quest Diagnostics criteria. Collection method: clinical testing. Allele origin: unknown.
Comment: The BRCA2 c.7116A>C (p.Ser2372=) synonymous variant has not been reported in individuals with BRCA2-related conditions in the published literature. It also has not been reported in large, multi-ethnic general populations (Genome Aggregation Database). Analysis of this variant using software algorithms for the prediction of the effect of nucleotide changes on splicing yielded predictions that this variant does not affect BRCA2 mRNA splicing. Based on the available information, we are unable to determine the clinical significance of this variant.

Ambry Genetics
Classification: Likely benign for Hereditary cancer-predisposing syndrome. Last evaluated: 2024-04-08. Review status: criteria provided, single submitter. Criteria: Ambry Variant Classification Scheme 2023. Collection method: clinical testing. Allele origin: germline.